The following is an entry in ClinVar:

NM_017813.5(BPNT2):c.377C>G (p.Pro126Arg)

Gene: BPNT2 (3'(2'), 5'-bisphosphate nucleotidase 2; minus strand). Cytogenetic location: 8q12.1.
Variant type: single nucleotide variant.
Coding change: c.377C>G on transcript NM_017813.5 (MANE Select); coding-DNA position 377, C replaced by G.
Protein change: p.Pro126Arg; replaces proline 126 with arginine.
Molecular consequence: missense variant.
Genome position (GRCh38, 1-based): chr8:56,993,209, G>C on the plus strand (C>G on the coding strand, the complement: BPNT2 is on the minus strand). VCF-style: chr8-56993209-G-C. GRCh37 (hg19) VCF-style: chr8-57905768-G-C.
Other names: short protein forms P126R.
Identifiers: ClinVar variation 1906634 (VCV001906634.5), dbSNP rs1202905686, ClinGen allele CA371385840.
Genomic context (GRCh38, chr8:56,993,209, plus strand): 5'-CCGAGACGCGCTACCCGGCTCGAGTGGGCGCTCCGCCCGTGGGCTCCCACCTGGACGCTG[G>C]GGAAGGCGGTCTTGAGCAGGTAGAACATCTTGCGGTTGGACAGCACGTCGCCGCTGGTCA-3'
Protein context (NP_060283.3, residues 116-136): KMFYLLKTAF[Pro126Arg]SVQINTEEHV

ClinVar aggregate classification (germline): Uncertain significance (1 of 4 stars; one submission).

gnomAD v4.1: 1 of 1,600,610 alleles (0.000062%); highest among the groups gnomAD compares: Admixed American, 0.0017%; no homozygotes.

Submission:

Labcorp Genetics (formerly Invitae), Labcorp
Classification: Uncertain significance. Last evaluated: 2022-10-17. Review status: criteria provided, single submitter. Criteria: Invitae Variant Classification Sherloc (09022015). Collection method: clinical testing. Allele origin: germline.
Comment: In summary, the available evidence is currently insufficient to determine the role of this variant in disease. Therefore, it has been classified as a Variant of Uncertain Significance. Algorithms developed to predict the effect of missense changes on protein structure and function (SIFT, PolyPhen-2, Align-GVGD) all suggest that this variant is likely to be disruptive. This variant has not been reported in the literature in individuals affected with IMPAD1-related conditions. The frequency data for this variant in the population databases is considered unreliable, as metrics indicate poor data quality at this position in the gnomAD database. This sequence change replaces proline, which is neutral and non-polar, with arginine, which is basic and polar, at codon 126 of the IMPAD1 protein (p.Pro126Arg).